The following is an entry in ClinVar:

ClinVar aggregate classification (germline): Uncertain significance. Review status: criteria provided, multiple submitters, no conflicts (2 of 4 stars). 2 submissions from 2 submitters: Uncertain significance (2). Last evaluated 2024-06-19.

Conditions:
Hereditary cancer-predisposing syndrome. Also called: Neoplastic Syndromes, Hereditary; Tumor predisposition; Hereditary Cancer Syndrome; Hereditary neoplastic syndrome. Identifiers: Orphanet 140162, MedGen C0027672, MeSH D009386, MONDO:0015356.
Mitochondrial complex II deficiency, nuclear type 1. Also called: SUCCINATE CoQ REDUCTASE DEFICIENCY. Identifiers: Orphanet 3208, MedGen C5700310, MONDO:0100294, OMIM 252011.
Pheochromocytoma/paraganglioma syndrome 5. Also called: Paragangliomas 5; SDHA-Related Hereditary Paraganglioma-Pheochromocytoma Syndrome. Identifiers: Orphanet 29072, MedGen C3279992, MONDO:0013602, OMIM 614165.

Submissions (2):

Ambry Genetics
Classification: Uncertain significance for Hereditary cancer-predisposing syndrome. Last evaluated: 2024-06-19. Review status: criteria provided, single submitter. Criteria: Ambry Variant Classification Scheme 2023. Collection method: clinical testing. Allele origin: germline.
Comment: The p.V462I variant (also known as c.1384G>A), located in coding exon 10 of the SDHA gene, results from a G to A substitution at nucleotide position 1384. The valine at codon 462 is replaced by isoleucine, an amino acid with highly similar properties. This amino acid position is conserved. In addition, this alteration is predicted to be tolerated by in silico analysis. Based on the available evidence, the clinical significance of this variant remains unclear.

Labcorp Genetics (formerly Invitae), Labcorp
Classification: Uncertain significance for Pheochromocytoma/paraganglioma syndrome 5; Mitochondrial complex II deficiency, nuclear type 1. Last evaluated: 2024-01-11. Review status: criteria provided, single submitter. Criteria: Invitae Variant Classification Sherloc (09022015). Collection method: clinical testing. Allele origin: germline.
Comment: This sequence change replaces valine, which is neutral and non-polar, with isoleucine, which is neutral and non-polar, at codon 462 of the SDHA protein (p.Val462Ile). This variant is not present in population databases (gnomAD no frequency). This variant has not been reported in the literature in individuals affected with SDHA-related conditions. Advanced modeling of protein sequence and biophysical properties (such as structural, functional, and spatial information, amino acid conservation, physicochemical variation, residue mobility, and thermodynamic stability) performed at Invitae indicates that this missense variant is not expected to disrupt SDHA protein function with a negative predictive value of 95%. In summary, the available evidence is currently insufficient to determine the role of this variant in disease. Therefore, it has been classified as a Variant of Uncertain Significance.

NM_004168.4(SDHA):c.1384G>A (p.Val462Ile)

Gene: SDHA (succinate dehydrogenase complex flavoprotein subunit A; plus strand). Cytogenetic location: 5p15.33.
Variant type: single nucleotide variant.
Coding change: c.1384G>A on transcript NM_004168.4 (MANE Select); coding-DNA position 1384, G replaced by A.
Protein change: p.Val462Ile; replaces valine 462 with isoleucine.
Molecular consequence: missense variant.
Genome position (GRCh38, 1-based): chr5:236,551, G>A. VCF-style: chr5-236551-G-A. GRCh37 (hg19) VCF-style: chr5-236666-G-A.
Other names: c.1240G>A, p.Val414Ile (NM_001294332.2); c.1384G>A, p.Val462Ile (NM_001330758.2); c.1384G>A (NM_004168.2); short protein forms V462I, V414I.
Identifiers: ClinVar variation 2944502 (VCV002944502.4), dbSNP rs2126590340, ClinGen allele CA359014044.